The following is an entry in ClinVar:

NM_003803.4(MYOM1):c.1174+1G>A

Gene: MYOM1 (myomesin 1; minus strand). Cytogenetic location: 18p11.31.
Variant type: single nucleotide variant.
Coding change: c.1174+1G>A on transcript NM_003803.4 (MANE Select); the canonical splice donor site of the intron after coding-DNA position 1174, G replaced by A.
Molecular consequence: splice donor variant.
Genome position (GRCh38, 1-based): chr18:3,173,937, C>T on the plus strand (G>A on the coding strand, the complement: MYOM1 is on the minus strand). VCF-style: chr18-3173937-C-T. GRCh37 (hg19) VCF-style: chr18-3173935-C-T.
Other names: c.1174+1G>A (NM_019856.2).
Identifiers: ClinVar variation 2893693 (VCV002893693.3), dbSNP rs376204162, ClinGen allele CA295509276.

ClinVar aggregate classification (germline): Uncertain significance (1 of 4 stars; one submission).

Conditions:
Hypertrophic cardiomyopathy. Also called: HYPERTROPHIC MYOCARDIOPATHY. Identifiers: Orphanet 217569, MedGen C0007194, MeSH D002312, MONDO:0005045, HP:0001639.

Allele frequency attached by ClinVar (database versions not stated): TOPMed 0.00002; ESP Exome Variant Server 0.00025.
gnomAD v4.1: 1 of 1,613,002 alleles (0.000062%); highest among the groups gnomAD compares: Non-Finnish European, 0.000085%; no homozygotes.

Submission:

Labcorp Genetics (formerly Invitae), Labcorp
Classification: Uncertain significance for Hypertrophic cardiomyopathy. Last evaluated: 2023-08-29. Review status: criteria provided, single submitter. Criteria: Invitae Variant Classification Sherloc (09022015). Collection method: clinical testing. Allele origin: germline.
Comment: In summary, the available evidence is currently insufficient to determine the role of this variant in disease. Therefore, it has been classified as a Variant of Uncertain Significance. Algorithms developed to predict the effect of sequence changes on RNA splicing suggest that this variant may disrupt the consensus splice site. This variant has not been reported in the literature in individuals affected with MYOM1-related conditions. This variant is not present in population databases (gnomAD no frequency). This sequence change affects a donor splice site in intron 8 of the MYOM1 gene. It is expected to disrupt RNA splicing. Variants that disrupt the donor or acceptor splice site typically lead to a loss of protein function (PMID: 16199547), however the current clinical and genetic evidence is not sufficient to establish whether loss-of-function variants in MYOM1 cause disease.

Literature cited by the submitters: PubMed 16199547.